The following is an entry in ClinVar:

ClinVar aggregate classification (germline): Uncertain significance (1 of 4 stars; one submission).

gnomAD v4.1: 3 of 1,613,536 alleles (0.00019%); highest among the groups gnomAD compares: African/African-American, 0.0027%; no homozygotes.

Submission:

Labcorp Genetics (formerly Invitae), Labcorp
Classification: Uncertain significance. Last evaluated: 2024-06-06. Review status: criteria provided, single submitter. Criteria: Invitae Variant Classification Sherloc (09022015). Collection method: clinical testing. Allele origin: germline.
Comment: This sequence change replaces aspartic acid, which is acidic and polar, with glutamic acid, which is acidic and polar, at codon 1629 of the MYH7B protein (p.Asp1629Glu). This variant is not present in population databases (gnomAD no frequency). This variant has not been reported in the literature in individuals affected with MYH7B-related conditions. Advanced modeling of protein sequence and biophysical properties (such as structural, functional, and spatial information, amino acid conservation, physicochemical variation, residue mobility, and thermodynamic stability) performed at Invitae indicates that this missense variant is not expected to disrupt MYH7B protein function with a negative predictive value of 80%. In summary, the available evidence is currently insufficient to determine the role of this variant in disease. Therefore, it has been classified as a Variant of Uncertain Significance.

NM_020884.7(MYH7B):c.4761C>G (p.Asp1587Glu)

Gene: MYH7B (myosin heavy chain 7B; plus strand). Cytogenetic location: 20q11.22.
Variant type: single nucleotide variant.
Coding change: c.4761C>G on transcript NM_020884.7 (MANE Select); coding-DNA position 4761, C replaced by G.
Protein change: p.Asp1587Glu; replaces aspartic acid 1587 with glutamic acid.
Molecular consequence: missense variant.
Genome position (GRCh38, 1-based): chr20:34,999,886, C>G. VCF-style: chr20-34999886-C-G. GRCh37 (hg19) VCF-style: chr20-33587689-C-G.
Other names: short protein forms D1587E.
Identifiers: ClinVar variation 3624704 (VCV003624704.2).